The following is an entry in ClinVar:

ClinVar aggregate classification (germline): Uncertain significance. Review status: criteria provided, multiple submitters, no conflicts (2 of 4 stars). 6 submissions from 5 submitters: Uncertain significance (6). Last evaluated 2025-11-05.

Conditions:
Mitochondrial complex IV deficiency, nuclear type 3. Also called: Mitochondrial complex 4 deficiency, nuclear type 3. Identifiers: MedGen C5436682, MONDO:0033635, OMIM 619046.
Leigh syndrome (NULS). Also called: Leigh's syndrome; Leigh Disease; Subacute necrotizing encephalopathy; Necrotizing encephalopathy infantile subacute of Leigh; LEIGH SYNDROME, NUCLEAR; Leigh's necrotizing encephalopathy. Identifiers: Orphanet 506, MedGen C2931891, MONDO:0009723, OMIM 256000.
Mitochondrial complex IV deficiency, nuclear type 1 (MC4DN1). Also called: COX DEFICIENCY; Mitochondrial complex IV deficiency; Complex 4 mitochondrial respiratory chain deficiency; Deficiency of mitochondrial respiratory chain complex4; Complex IV deficiency. Identifiers: MedGen C5435656, MONDO:0700250, OMIM 220110. Disease mechanism: loss of function.
Inborn genetic diseases. Identifiers: MedGen C0950123, MeSH D030342.

Allele frequency attached by ClinVar (database versions not stated): gnomAD 0.00002; TOPMed 0.00002.
gnomAD v4.1: 108 of 1,613,976 alleles (0.0067%); highest among the groups gnomAD compares: Non-Finnish European, 0.0088%; no homozygotes.

Submissions (6):

Ambry Genetics
Classification: Uncertain significance for Inborn genetic diseases. Last evaluated: 2025-11-05. Review status: criteria provided, single submitter. Criteria: Ambry Variant Classification Scheme 2023. Collection method: clinical testing. Allele origin: germline.

Labcorp Genetics (formerly Invitae), Labcorp
Classification: Uncertain significance. Last evaluated: 2022-04-01. Review status: criteria provided, single submitter. Criteria: Invitae Variant Classification Sherloc (09022015). Collection method: clinical testing. Allele origin: germline.
Comment: This sequence change replaces alanine, which is neutral and non-polar, with valine, which is neutral and non-polar, at codon 390 of the COX10 protein (p.Ala390Val). This variant is present in population databases (rs749603596, gnomAD 0.004%). This variant has not been reported in the literature in individuals affected with COX10-related conditions. ClinVar contains an entry for this variant (Variation ID: 888614). Algorithms developed to predict the effect of missense changes on protein structure and function (SIFT, PolyPhen-2, Align-GVGD) all suggest that this variant is likely to be tolerated. In summary, the available evidence is currently insufficient to determine the role of this variant in disease. Therefore, it has been classified as a Variant of Uncertain Significance.

Fulgent Genetics
Classification: Uncertain significance for Mitochondrial complex IV deficiency, nuclear type 3. Last evaluated: 2022-01-07. Review status: criteria provided, single submitter. Criteria: ACMG Guidelines, 2015. Collection method: clinical testing. Allele origin: unknown.

GeneDx
Classification: Uncertain significance. Last evaluated: 2021-07-01. Review status: criteria provided, single submitter. Criteria: GeneDx Variant Classification Process June 2021. Collection method: clinical testing. Allele origin: germline. Affected: yes.

Illumina Laboratory Services, Illumina
Classification: Uncertain significance for Leigh syndrome. Last evaluated: 2018-01-12. Review status: criteria provided, single submitter. Criteria: ICSL Variant Classification Criteria 13 December 2019. Collection method: clinical testing. Allele origin: germline.

Illumina Laboratory Services, Illumina
Classification: Uncertain significance for Mitochondrial complex IV deficiency, nuclear type 1. Last evaluated: 2018-01-12. Review status: criteria provided, single submitter. Criteria: ICSL Variant Classification Criteria 13 December 2019. Collection method: clinical testing. Allele origin: germline.

NM_001303.4(COX10):c.1169C>T (p.Ala390Val)

Gene: COX10 (cytochrome c oxidase assembly factor heme A:farnesyltransferase COX10; plus strand). Cytogenetic location: 17p12.
Variant type: single nucleotide variant.
Coding change: c.1169C>T on transcript NM_001303.4 (MANE Select); coding-DNA position 1169, C replaced by T.
Protein change: p.Ala390Val; replaces alanine 390 with valine.
Molecular consequence: missense variant.
Genome position (GRCh38, 1-based): chr17:14,207,050, C>T. VCF-style: chr17-14207050-C-T. GRCh37 (hg19) VCF-style: chr17-14110367-C-T.
Other names: short protein forms A390V.
Identifiers: ClinVar variation 888614 (VCV000888614.11), dbSNP rs749603596, ClinGen allele CA8402543.